The following is an entry in ClinVar:

NM_015474.4(SAMHD1):c.696+5G>A

Gene: SAMHD1 (SAM and HD domain containing deoxynucleoside triphosphate triphosphohydrolase 1; minus strand). Cytogenetic location: 20q11.23.
Variant type: single nucleotide variant.
Coding change: c.696+5G>A on transcript NM_015474.4 (MANE Select); 5 bases into the intron after coding-DNA position 696, G replaced by A.
Molecular consequence: intron variant.
Genome position (GRCh38, 1-based): chr20:36,927,177, C>T on the plus strand (G>A on the coding strand, the complement: SAMHD1 is on the minus strand). VCF-style: chr20-36927177-C-T. GRCh37 (hg19) VCF-style: chr20-35555580-C-T.
Other names: c.696+5G>A (NM_001363729.2, NM_001363733.2).
Identifiers: ClinVar variation 943162 (VCV000943162.7), dbSNP rs1468637736, ClinGen allele CA744033870.
Genomic context (GRCh38, chr20:36,927,177, plus strand): 5'-ATTAACTAAATAACCTGCTTAAATAGTCTTTCTTTTTATTGACTATTGACTGTATGAATA[C>T]ATACCGTCCATTTCACCTCCGGGCGAGCAAGTGGAATAAATCGTCCATCAAACATGTGAG-3'

ClinVar aggregate classification (germline): Uncertain significance. Review status: criteria provided, single submitter (1 of 4 stars). 2 submissions from 2 submitters: Uncertain significance (1). 1 of the submissions does not count toward it. Last evaluated 2023-10-13.

Conditions:
Aicardi Goutieres syndrome (AGS). Also called: Encephalopathy, familial infantile, with calcification of basal ganglia and chronic cerebrospinal fluid lymphocytosis. Identifiers: Orphanet 51, MedGen C0393591, MONDO:0018866.
Aicardi-Goutieres syndrome 5. Identifiers: Orphanet 51, MedGen C2749659, MONDO:0013059, OMIM 612952.

Allele frequency attached by ClinVar (database versions not stated): gnomAD exomes below 0.00001; TOPMed 0.00002.
gnomAD v4.1: 5 of 1,609,706 alleles (0.00031%); highest among the groups gnomAD compares: Non-Finnish European, 0.00043%; no homozygotes.

Submissions (2):

Labcorp Genetics (formerly Invitae), Labcorp
Classification: Uncertain significance for Aicardi-Goutieres syndrome 5. Last evaluated: 2023-10-13. Review status: criteria provided, single submitter. Criteria: Invitae Variant Classification Sherloc (09022015). Collection method: clinical testing. Allele origin: germline.
Comment: This sequence change falls in intron 6 of the SAMHD1 gene. It does not directly change the encoded amino acid sequence of the SAMHD1 protein. It affects a nucleotide within the consensus splice site. This variant is not present in population databases (gnomAD no frequency). This variant has not been reported in the literature in individuals affected with SAMHD1-related conditions. ClinVar contains an entry for this variant (Variation ID: 943162). Variants that disrupt the consensus splice site are a relatively common cause of aberrant splicing (PMID: 17576681, 9536098). Algorithms developed to predict the effect of sequence changes on RNA splicing suggest that this variant may disrupt the consensus splice site. In summary, the available evidence is currently insufficient to determine the role of this variant in disease. Therefore, it has been classified as a Variant of Uncertain Significance.

Natera, Inc.
Classification: Uncertain significance for Aicardi-Goutieres syndrome. Last evaluated: 2020-03-11. Review status: no assertion criteria provided. Collection method: clinical testing. Allele origin: germline. Not counted in ClinVar's aggregate classification.

Literature cited by the submitters: PubMed 17576681 (cited by Labcorp Genetics (formerly Invitae), Labcorp); PubMed 9536098 (cited by Labcorp Genetics (formerly Invitae), Labcorp).